The following is an entry in ClinVar:

ClinVar aggregate classification (germline): Uncertain significance (1 of 4 stars; one submission).

Allele frequency attached by ClinVar (database versions not stated): gnomAD exomes below 0.00001; TOPMed below 0.00001; gnomAD 0.00001.
gnomAD v4.1: 6 of 1,613,958 alleles (0.00037%); highest among the groups gnomAD compares: Non-Finnish European, 0.00051%; no homozygotes.

Submission:

GeneDx
Classification: Uncertain significance. Last evaluated: 2023-04-05. Review status: criteria provided, single submitter. Criteria: GeneDx Variant Classification Process June 2021. Collection method: clinical testing. Allele origin: germline. Affected: yes.
Comment: Not observed at significant frequency in large population cohorts (gnomAD); In silico analysis supports that this missense variant has a deleterious effect on protein structure/function; Has not been previously published as pathogenic or benign to our knowledge

NM_001429.4(EP300):c.124G>A (p.Asp42Asn)

Gene: EP300 (E1A binding protein p300; plus strand). Cytogenetic location: 22q13.2.
Variant type: single nucleotide variant.
Coding change: c.124G>A on transcript NM_001429.4 (MANE Select); coding-DNA position 124, G replaced by A.
Protein change: p.Asp42Asn; replaces aspartic acid 42 with asparagine.
Molecular consequence: missense variant.
Genome position (GRCh38, 1-based): chr22:41,117,216, G>A. VCF-style: chr22-41117216-G-A. GRCh37 (hg19) VCF-style: chr22-41513220-G-A.
Other names: c.124G>A, p.Asp42Asn (NM_001362843.2); short protein forms D42N.
Identifiers: ClinVar variation 2662028 (VCV002662028.1), dbSNP rs1430803896, ClinGen allele CA411679622.
Genomic context (GRCh38, chr22:41,117,216, plus strand): 5'-TTTGACCTTTGTCTTTTCCCTTTGCTTTTAGATTTTGGCTCTCTATTTGACTTGGAGCAC[G>A]ACTTACCAGATGAATTAATCAACTCTACAGAATTGGGACTAACCAATGGTGGTGATATTA-3'
Protein context (NP_001420.2, residues 32-52): DFGSLFDLEH[Asp42Asn]LPDELINSTE